The following is an entry in ClinVar:

NM_002226.5(JAG2):c.2598C>T (p.Ile866=)

Gene: JAG2 (jagged canonical Notch ligand 2; minus strand). Cytogenetic location: 14q32.33.
Variant type: single nucleotide variant.
Coding change: c.2598C>T on transcript NM_002226.5 (MANE Select); coding-DNA position 2598, C replaced by T.
Protein change: p.Ile866=; no amino-acid change (isoleucine 866 retained).
Molecular consequence: synonymous variant.
Genome position (GRCh38, 1-based): chr14:105,146,496, G>A on the plus strand (C>T on the coding strand, the complement: JAG2 is on the minus strand). VCF-style: chr14-105146496-G-A. GRCh37 (hg19) VCF-style: chr14-105612833-G-A.
Other names: p.Ile866=; c.2484C>T, p.Ile828= (NM_145159.3).
Identifiers: ClinVar variation 4683949 (VCV004683949.1).
Genomic context (GRCh38, chr14:105,146,496, plus strand): 5'-CACCCAGGAGCTTCCGTGTGGGAACGGAGTGCCCCGGGACCAGCAGGATCTCCCGAACCC[G>A]ATCACTGTGGGGAGAAGGGGCTCGAGGGTCAGCAGTGGGCATCTGGCCCTCGGGGCTGGG-3'
Protein context (NP_002217.3, residues 856-876): GRAGPRCQEV[Ile866=]GFGRSCWSRG

ClinVar aggregate classification (germline): Likely benign (1 of 4 stars; one submission).

gnomAD v4.1: 73 of 1,612,606 alleles (0.0045%); highest among the groups gnomAD compares: Middle Eastern, 0.017%; no homozygotes.

Submission:

Mayo Clinic Laboratories, Mayo Clinic
Classification: Likely benign. Last evaluated: 2025-02-04. Review status: criteria provided, single submitter. Criteria: ACMG Guidelines, 2015. Collection method: clinical testing. Allele origin: germline. Observed: 1 variant allele.
Comment: BP4, BP7